The following is an entry in ClinVar:

ClinVar aggregate classification (germline): Conflicting classifications of pathogenicity. Review status: criteria provided, conflicting classifications (1 of 4 stars). 2 submissions from 2 submitters: Uncertain significance (1); Likely benign (1). Last evaluated 2025-10-15.

Conditions:
Hereditary breast ovarian cancer syndrome. Also called: Hereditary breast and ovarian cancer syndrome (HBOC); Hereditary breast and ovarian cancer syndrome; Breast and ovarian cancer; Hereditary breast and/or ovarian cancer syndrome; Hereditary breast and ovarian cancer; BRCA1- and BRCA2-Associated Hereditary Breast and Ovarian Cancer. Identifiers: Orphanet 145, MedGen C0677776, MeSH D061325, MONDO:0003582. Disease mechanism: loss of function.
Hereditary cancer-predisposing syndrome. Also called: Neoplastic Syndromes, Hereditary; Hereditary Cancer Syndrome; Hereditary neoplastic syndrome; Tumor predisposition. Identifiers: Orphanet 140162, MedGen C0027672, MeSH D009386, MONDO:0015356.

Submissions (2):

Ambry Genetics
Classification: Uncertain significance for Hereditary cancer-predisposing syndrome. Last evaluated: 2025-10-15. Review status: criteria provided, single submitter. Criteria: Ambry Variant Classification Scheme 2023. Collection method: clinical testing. Allele origin: germline.
Comment: The p.L2999V variant (also known as c.8995C>G), located in coding exon 22 of the BRCA2 gene, results from a C to G substitution at nucleotide position 8995. The leucine at codon 2999 is replaced by valine, an amino acid with highly similar properties. The results from two saturation genome editing-based studies, including a haploid cell-survival assay and a humanized mouse embryonic stem cell line assay of drug response and survival, are discordant for this nucleotide substitution (Huang H et al. Nature. 2025 Feb;638(8050):528-537; Sahu S et al. Nature. 2025 Feb;638(8050):538-545). This amino acid position is well conserved in available vertebrate species. In addition, the in silico prediction for this alteration is inconclusive. Based on the available evidence, the clinical significance of this variant remains unclear.

Labcorp Genetics (formerly Invitae), Labcorp
Classification: Likely benign for Hereditary breast ovarian cancer syndrome. Last evaluated: 2022-01-10. Review status: criteria provided, single submitter. Criteria: Invitae Variant Classification Sherloc (09022015). Collection method: clinical testing. Allele origin: germline.

Literature cited by the submitters: PubMed 39779848 (cited by Ambry Genetics); PubMed 39779857 (cited by Ambry Genetics).

NM_000059.4(BRCA2):c.8995C>G (p.Leu2999Val)

Gene: BRCA2 (BRCA2 DNA repair associated; plus strand). Cytogenetic location: 13q13.1.
Variant type: single nucleotide variant.
Coding change: c.8995C>G on transcript NM_000059.4 (MANE Select); coding-DNA position 8995, C replaced by G.
Protein change: p.Leu2999Val; replaces leucine 2999 with valine.
Molecular consequence: missense variant.
Genome position (GRCh38, 1-based): chr13:32,379,791, C>G. VCF-style: chr13-32379791-C-G. GRCh37 (hg19) VCF-style: chr13-32953928-C-G.
Other names: short protein forms L2999V.
Identifiers: ClinVar variation 462510 (VCV000462510.12), dbSNP rs1555288453, ClinGen allele CA387757435.